The following is an entry in ClinVar:

NM_206933.4(USH2A):c.11815G>A (p.Glu3939Lys)

Gene: USH2A (usherin; minus strand). Cytogenetic location: 1q41.
Variant type: single nucleotide variant.
Coding change: c.11815G>A on transcript NM_206933.4 (MANE Select); coding-DNA position 11815, G replaced by A.
Protein change: p.Glu3939Lys; replaces glutamic acid 3939 with lysine.
Molecular consequence: missense variant.
Genome position (GRCh38, 1-based): chr1:215,728,281, C>T on the plus strand (G>A on the coding strand, the complement: USH2A is on the minus strand). VCF-style: chr1-215728281-C-T. GRCh37 (hg19) VCF-style: chr1-215901623-C-T.
Other names: short protein forms E3939K.
Identifiers: ClinVar variation 178574 (VCV000178574.45), dbSNP rs146264950, ClinGen allele CA182588.
Genomic context (GRCh38, chr1:215,728,281, plus strand): 5'-GTGTTAATGACCACAGACTCTCCACTGAACCCTTGGAGTTACAGGCTCTGACCCGATATT[C>T]GTAGAGTGTGAAAGGCCTCAGGGTGTCTCCTTCATCCATAAATTCAAGGGCTCCTTCTGA-3'
Protein context (NP_996816.3, residues 3929-3949): GDTLRPFTLY[Glu3939Lys]YRVRACNSKG

ClinVar aggregate classification (germline): Conflicting classifications of pathogenicity. Review status: criteria provided, conflicting classifications (1 of 4 stars). 17 submissions from 16 submitters: Uncertain significance (13); Likely benign (2). 2 of the submissions do not count toward it. Last evaluated 2026-09-15.

Conditions:
USH2A-related disorder. Also called: USH2A-related condition; USH2A-related disorders. Identifiers: MedGen CN239332.
Retinal dystrophy. Also called: Inherited retinal dystrophy. Identifiers: Orphanet 71862, MedGen C0854723, MeSH D058499, MONDO:0019118, HP:0000556.
Usher syndrome type 2A. Also called: USHER SYNDROME, TYPE IIA; RETINAL DISEASE IN USHER SYNDROME TYPE IIA, MODIFIER OF. Identifiers: Orphanet 231178, Orphanet 886, MedGen C1848634, MONDO:0010169, OMIM 276901.
Retinitis pigmentosa 39 (RP39). Identifiers: Orphanet 791, MedGen C3151138, MONDO:0013436, OMIM 613809.

Allele frequency attached by ClinVar (database versions not stated): 1000 Genomes Project 30x 0.00031; ESP Exome Variant Server 0.00038; 1000 Genomes Project 0.00040; TOPMed 0.00042; gnomAD 0.00043 and 0.00044; gnomAD exomes 0.00049; ExAC 0.00058.
gnomAD v4.1: 641 of 1,614,098 alleles (0.04%); highest among the groups gnomAD compares: Middle Eastern, 0.12%; 1 homozygote.

Submissions (17):

PreventionGenetics, part of Exact Sciences
Classification: Uncertain significance for USH2A-related condition. Last evaluated: 2026-09-15. Review status: criteria provided, single submitter. Criteria: ACMG Guidelines, 2015. Collection method: clinical testing. Allele origin: germline.
Comment: The USH2A c.11815G>A variant is predicted to result in the amino acid substitution p.Glu3939Lys. This variant was reported, along with another potentially causative variant in the same gene, in an individual with autosomal recessive retinitis pigmentosa (Tajiguli et al. 2016. PubMed ID: 26856745). This variant was also reported, without a second potentially causative variant, in cohorts of individuals with retinal disease (Haer-Wigman et al. 2017. PubMed ID: 28224992; McGowan et al. 2020. PubMed ID: 32579692; Table S3, Mihalich et al. 2024. PubMed ID: 38927702). Lastly, this variant was reported in large cohorts of individuals with multifocal choroiditis or Usher syndrome (Table S2, Li et al. 2020. PubMed ID: 32707200; Table S1, Hufnagel et al. 2022. PubMed ID: 35266249). However, this variant is reported in 0.13% of alleles in individuals of Ashkenazi Jewish descent in gnomAD, which may be too frequent to be a primary cause of disease. Although we suspect that this variant may be benign, at this time, the clinical significance of this variant is uncertain due to the absence of conclusive functional and genetic evidence.

GeneDx
Classification: Uncertain significance. Last evaluated: 2026-08-20. Review status: criteria provided, single submitter. Criteria: GeneDx Variant Classification Process June 2021. Collection method: clinical testing. Allele origin: germline.
Comment: In silico analysis suggests that this missense variant does not alter protein structure/function; This variant is associated with the following publications: (PMID: 28224992, 22334370, 34426522, 32707200, 35266249, 32884132, 32579692, 30718709, 37684519, 38576124, 26856745, 38927702)

Labcorp Genetics (formerly Invitae), Labcorp
Classification: Likely benign. Last evaluated: 2026-01-21. Review status: criteria provided, single submitter. Criteria: Invitae Variant Classification Sherloc (09022015). Collection method: clinical testing. Allele origin: germline.

Women's Health and Genetics/Laboratory Corporation of America, LabCorp
Classification: Uncertain significance. Last evaluated: 2025-03-24. Review status: criteria provided, single submitter. Criteria: LabCorp Variant Classification Summary - May 2015. Collection method: clinical testing. Allele origin: germline.
Comment: Variant summary: USH2A c.11815G>A (p.Glu3939Lys) results in a conservative amino acid change located in the Fibronectin type III domain (IPR003961) of the encoded protein sequence. Three of five in-silico tools predict a benign effect of the variant on protein function. The variant allele was found at a frequency of 0.00049 in 250102 control chromosomes in the gnomAD database, including 1 homozygotes. This frequency is not significantly higher than estimated for a pathogenic variant in USH2A causing Usher Syndrome (0.00049 vs 0.011), allowing no conclusion about variant significance. c.11815G>A has been reported in the literature in individuals/families affected with retinitis pigmentosa and multifocal choroiditis (Neveling_2012, Tajiguli_2016, Haer-Wigman_2017, Jespersgaard_2019, McGowan_2020, Li_2021, Hufnagel_2022, Caliskan_2024) but it has also been reported in unaffected homozygous individuals (gnomAD and PMID:34426522) or individuals with unrelated conditions (PMID: 37684519), indicating it could be a benign polymorphism. In at least one of these reports, the variant was determined to not segregate in the affected family (Neveling_2012). The following publications have been ascertained in the context of this evaluation (PMID: 38576124, 28224992, 35266249, 30718709, 32707200, 32579692, 22334370, 26856745, 37684519). ClinVar contains an entry for this variant (Variation ID: 178574). Based on the evidence outlined above, the variant was classified as VUS-possibly benign.

Blueprint Genetics
Classification: Uncertain significance. Last evaluated: 2024-11-25. Review status: criteria provided, single submitter. Criteria: ACMG Guidelines, 2015. Collection method: clinical testing. Allele origin: germline.

CeGaT Center for Human Genetics Tuebingen
Classification: Likely benign. Last evaluated: 2024-07-01. Review status: criteria provided, single submitter. Criteria: CeGaT Center For Human Genetics Tuebingen Variant Classification Criteria Version 2. Collection method: clinical testing. Allele origin: germline. Affected: yes. Observed: 1 variant allele.
Comment: USH2A: BP4, BS1:Supporting

Clinical Genetics Laboratory, Skane University Hospital Lund
Classification: Uncertain significance. Last evaluated: 2022-07-27. Review status: criteria provided, single submitter. Criteria: ACMG Guidelines, 2015. Collection method: clinical testing. Allele origin: germline. Affected: yes.

Fulgent Genetics
Classification: Uncertain significance for Usher syndrome type 2A; Retinitis pigmentosa 39. Last evaluated: 2022-05-02. Review status: criteria provided, single submitter. Criteria: ACMG Guidelines, 2015. Collection method: clinical testing. Allele origin: unknown.

Baylor Genetics
Classification: Uncertain significance for Retinitis pigmentosa 39. Last evaluated: 2021-11-16. Review status: criteria provided, single submitter. Criteria: ACMG Guidelines, 2015. Collection method: clinical testing. Allele origin: unknown.

Genome-Nilou Lab
Classification: Uncertain significance for Usher syndrome type 2A. Last evaluated: 2021-07-22. Review status: criteria provided, single submitter. Criteria: ACMG Guidelines, 2015. Collection method: clinical testing. Allele origin: germline. Affected: no.

Genome-Nilou Lab
Classification: Uncertain significance for Retinitis pigmentosa 39. Last evaluated: 2021-07-22. Review status: criteria provided, single submitter. Criteria: ACMG Guidelines, 2015. Collection method: clinical testing. Allele origin: germline. Affected: no.

Pars Genome Lab
Classification: Uncertain significance for Usher syndrome type 2A. Last evaluated: 2021-05-18. Review status: criteria provided, single submitter. Criteria: ACMG Guidelines, 2015. Collection method: clinical testing. Allele origin: germline. Affected: no.

Laboratory for Molecular Medicine, Mass General Brigham Personalized Medicine
Classification: Uncertain significance. Last evaluated: 2018-04-12. Review status: criteria provided, single submitter. Criteria: LMM Criteria. Collection method: clinical testing. Allele origin: germline. Observed: 7 variant alleles.
Comment: Variant classified as Uncertain Significance - Favor Benign. The p.Glu3939Lys va riant in USH2A has been previously reported in 4 individuals with hearing loss a nd in 3 individuals with retinitis pigmentosa (Neveling 2012, Tajiguli 2016, Hae r-Wigman 2017, LMM data); however, none of these individuals had a second pathog enic variant identified in the USH2A gene. This variant has also been identified in 0.15% (15/10150) of Ashkenazi Jewish and 0.08% (97/125366) of European chrom osomes, including one homozygote, by the Genome Aggregation Database (gnomAD; dbSNP rs146264950). Computational prediction too ls and conservation analysis do not provide strong support for or against an imp act to the protein. In summary, while the clinical significance of the p.Glu393 9Lys variant is uncertain, its frequency suggests that it is more likely to be b enign. ACMG/AMP Criteria applied: BS1_Supporting.

Institute of Human Genetics, Univ. Regensburg, Univ. Regensburg
Classification: Uncertain significance for Retinal dystrophy. Last evaluated: 2014-01-01. Review status: criteria provided, single submitter. Criteria: ACMG Guidelines, 2015. Collection method: clinical testing. Allele origin: germline. Affected: yes.

Breakthrough Genomics
Classification: Uncertain significance. Review status: criteria provided, single submitter. Criteria: ACMG Guidelines, 2015. Collection method: not provided. Allele origin: germline. Inheritance: Autosomal recessive inheritance. Affected: yes.

Natera, Inc.
Classification: Uncertain significance for Usher syndrome type 2A. Last evaluated: 2019-12-27. Review status: no assertion criteria provided. Collection method: clinical testing. Allele origin: germline. Not counted in ClinVar's aggregate classification.

Counsyl
Classification: Uncertain significance for Usher syndrome type 2A; Retinitis pigmentosa 39. Last evaluated: 2016-12-23. Review status: no assertion criteria provided. Collection method: clinical testing. Allele origin: unknown. Not counted in ClinVar's aggregate classification.

Literature cited by the submitters: PubMed 28224992 (cited by 3 submitters); PubMed 22334370 (cited by Women's Health and Genetics/Laboratory Corporation of America, LabCorp and Laboratory for Molecular Medicine, Mass General Brigham Personalized Medicine); PubMed 30718709 (cited by Women's Health and Genetics/Laboratory Corporation of America, LabCorp); PubMed 32579692 (cited by Women's Health and Genetics/Laboratory Corporation of America, LabCorp and Institute of Human Genetics, Univ. Regensburg, Univ. Regensburg); PubMed 32707200 (cited by Women's Health and Genetics/Laboratory Corporation of America, LabCorp and Institute of Human Genetics, Univ. Regensburg, Univ. Regensburg); PubMed 26856745 (cited by 3 submitters); PubMed 35266249 (cited by Women's Health and Genetics/Laboratory Corporation of America, LabCorp and Institute of Human Genetics, Univ. Regensburg, Univ. Regensburg); PubMed 38576124 (cited by Women's Health and Genetics/Laboratory Corporation of America, LabCorp); PubMed 37684519 (cited by Women's Health and Genetics/Laboratory Corporation of America, LabCorp); PubMed 34426522 (cited by Institute of Human Genetics, Univ. Regensburg, Univ. Regensburg).